The following is an entry in ClinVar:

NM_000439.5(PCSK1):c.1455T>C (p.Val485=)

Genes: CAST (calpastatin; plus strand), PCSK1 (proprotein convertase subtilisin/kexin type 1; minus strand), LOC101929710 (uncharacterized LOC101929710; plus strand). Cytogenetic location: 5q15.
Variant type: single nucleotide variant.
Coding change: c.1455T>C on transcript NM_000439.5 (MANE Select); coding-DNA position 1455, T replaced by C.
Protein change: p.Val485=; no amino-acid change (valine 485 retained).
Molecular consequence: synonymous variant. On other transcripts: intron variant (11).
Genome position (GRCh38, 1-based): chr5:96,399,012, A>G on the plus strand (T>C on the coding strand, the complement: PCSK1 is on the minus strand). VCF-style: chr5-96399012-A-G. GRCh37 (hg19) VCF-style: chr5-95734716-A-G.
Other names: c.1314T>C, p.Val438= (NM_001177875.2); c.-175+19360A>G (NM_001423254.1, NM_001423259.1, NM_001423255.1 and 6 more transcripts); c.-103+19360A>G (NM_001423253.1); c.-40+19360A>G (NM_001423258.1).
Identifiers: ClinVar variation 4986396 (VCV004986396.1).

ClinVar aggregate classification (germline): Likely benign (1 of 4 stars; one submission).

Conditions:
PCSK1-related disorder. Also called: PCSK1-related condition.

Submission:

PreventionGenetics, part of Exact Sciences
Classification: Likely benign for PCSK1-related condition. Last evaluated: 2025-02-17. Review status: criteria provided, single submitter. Criteria: ACMG Guidelines, 2015. Collection method: clinical testing. Allele origin: germline.
Comment: This variant is classified as likely benign based on ACMG/AMP sequence variant interpretation guidelines (Richards et al. 2015 PMID: 25741868, with internal and published modifications).